The following is an entry in ClinVar:

NM_024598.4(USB1):c.704A>T (p.Asp235Val)

Gene: USB1 (U6 snRNA biogenesis phosphodiesterase 1; plus strand). Cytogenetic location: 16q21.
Variant type: single nucleotide variant.
Coding change: c.704A>T on transcript NM_024598.4 (MANE Select); coding-DNA position 704, A replaced by T.
Protein change: p.Asp235Val; replaces aspartic acid 235 with valine.
Molecular consequence: missense variant.
Genome position (GRCh38, 1-based): chr16:58,020,151, A>T. VCF-style: chr16-58020151-A-T. GRCh37 (hg19) VCF-style: chr16-58054055-A-T.
Other names: p.Asp235Val; c.704A>T (NM_024598.3); c.650A>T, p.Asp217Val (NM_001195302.2); c.551A>T, p.Asp184Val (NM_001330568.2); short protein forms D184V, D217V, D235V.
Identifiers: ClinVar variation 1392481 (VCV001392481.10), dbSNP rs1018834431, ClinGen allele CA281641781.

ClinVar aggregate classification (germline): Uncertain significance. Review status: criteria provided, multiple submitters, no conflicts (2 of 4 stars). 4 submissions from 4 submitters: Uncertain significance (4). Last evaluated 2025-11-26.

Conditions:
Inborn genetic diseases. Identifiers: MedGen C0950123, MeSH D030342.

Allele frequency attached by ClinVar (database versions not stated): gnomAD exomes 0.00001; TOPMed 0.00011; gnomAD 0.00009 and 0.00010.
gnomAD v4.1: 47 of 1,613,998 alleles (0.0029%); highest among the groups gnomAD compares: African/African-American, 0.036%; no homozygotes.

Submissions (4):

Mayo Clinic Laboratories, Mayo Clinic
Classification: Uncertain significance. Last evaluated: 2025-11-26. Review status: criteria provided, single submitter. Criteria: ACMG Guidelines, 2015. Collection method: clinical testing. Allele origin: germline. Observed: 1 variant allele.

Ambry Genetics
Classification: Uncertain significance for Inborn genetic diseases. Last evaluated: 2025-01-19. Review status: criteria provided, single submitter. Criteria: Ambry Variant Classification Scheme 2023. Collection method: clinical testing. Allele origin: germline.

GeneDx
Classification: Uncertain significance. Last evaluated: 2024-12-19. Review status: criteria provided, single submitter. Criteria: GeneDx Variant Classification Process June 2021. Collection method: clinical testing. Allele origin: germline. Affected: yes.
Comment: In silico analysis supports that this missense variant has a deleterious effect on protein structure/function; Has not been previously published as pathogenic or benign to our knowledge

Labcorp Genetics (formerly Invitae), Labcorp
Classification: Uncertain significance. Last evaluated: 2023-08-23. Review status: criteria provided, single submitter. Criteria: Invitae Variant Classification Sherloc (09022015). Collection method: clinical testing. Allele origin: germline.
Comment: In summary, the available evidence is currently insufficient to determine the role of this variant in disease. Therefore, it has been classified as a Variant of Uncertain Significance. Advanced modeling of protein sequence and biophysical properties (such as structural, functional, and spatial information, amino acid conservation, physicochemical variation, residue mobility, and thermodynamic stability) performed at Invitae indicates that this missense variant is not expected to disrupt USB1 protein function. ClinVar contains an entry for this variant (Variation ID: 1392481). This variant has not been reported in the literature in individuals affected with USB1-related conditions. This variant is present in population databases (no rsID available, gnomAD 0.02%). This sequence change replaces aspartic acid, which is acidic and polar, with valine, which is neutral and non-polar, at codon 235 of the USB1 protein (p.Asp235Val).